The following is an entry in ClinVar:

NM_182914.3(SYNE2):c.19986C>G (p.Ser6662Arg)

Gene: SYNE2 (spectrin repeat containing nuclear envelope protein 2; plus strand). Cytogenetic location: 14q23.2.
Variant type: single nucleotide variant.
Coding change: c.19986C>G on transcript NM_182914.3 (MANE Select); coding-DNA position 19986, C replaced by G.
Protein change: p.Ser6662Arg; replaces serine 6662 with arginine.
Molecular consequence: missense variant.
Genome position (GRCh38, 1-based): chr14:64,220,562, C>G. VCF-style: chr14-64220562-C-G. GRCh37 (hg19) VCF-style: chr14-64687280-C-G.
Other names: c.510C>G, p.Ser170Arg (NM_182910.2); c.888C>G, p.Ser296Arg (NM_182913.4); c.19917C>G, p.Ser6639Arg (NM_015180.6); short protein forms S6639R, S6662R, S170R, S296R.
Identifiers: ClinVar variation 3014263 (VCV003014263.3), dbSNP rs1194672331, ClinGen allele CA389969245.

ClinVar aggregate classification (germline): Uncertain significance (1 of 4 stars; one submission).

Conditions:
Emery-Dreifuss muscular dystrophy 5, autosomal dominant (EDMD5). Also called: EMERY-DREIFUSS MUSCULAR DYSTROPHY 5. Identifiers: Orphanet 261, MedGen C2751805, MONDO:0013072, OMIM 612999.

Allele frequency attached by ClinVar (database versions not stated): gnomAD exomes below 0.00001; TOPMed 0.00001.
gnomAD v4.1: 4 of 1,614,152 alleles (0.00025%); highest among the groups gnomAD compares: Admixed American, 0.005%; no homozygotes.

Submission:

Labcorp Genetics (formerly Invitae), Labcorp
Classification: Uncertain significance for Emery-Dreifuss muscular dystrophy 5, autosomal dominant. Last evaluated: 2023-12-22. Review status: criteria provided, single submitter. Criteria: Invitae Variant Classification Sherloc (09022015). Collection method: clinical testing. Allele origin: germline.
Comment: This sequence change replaces serine, which is neutral and polar, with arginine, which is basic and polar, at codon 6662 of the SYNE2 protein (p.Ser6662Arg). This variant is present in population databases (no rsID available, gnomAD 0.006%). This variant has not been reported in the literature in individuals affected with SYNE2-related conditions. Algorithms developed to predict the effect of missense changes on protein structure and function output the following: SIFT: "Not Available"; PolyPhen-2: "Benign"; Align-GVGD: "Not Available". The arginine amino acid residue is found in multiple mammalian species, which suggests that this missense change does not adversely affect protein function. In summary, the available evidence is currently insufficient to determine the role of this variant in disease. Therefore, it has been classified as a Variant of Uncertain Significance.